The following is an entry in ClinVar:

ClinVar aggregate classification (germline): Uncertain significance. Review status: criteria provided, multiple submitters, no conflicts (2 of 4 stars). 2 submissions from 2 submitters: Uncertain significance (2). Last evaluated 2023-02-20.

Allele frequency attached by ClinVar (database versions not stated): gnomAD exomes 0.00001; ExAC 0.00002.
gnomAD v4.1: 4 of 1,614,158 alleles (0.00025%); highest among the groups gnomAD compares: South Asian, 0.0044%; no homozygotes.

Submissions (2):

GeneDx
Classification: Uncertain significance. Last evaluated: 2023-02-20. Review status: criteria provided, single submitter. Criteria: GeneDx Variant Classification Process June 2021. Collection method: clinical testing. Allele origin: germline. Affected: yes.
Comment: In silico analysis supports that this missense variant has a deleterious effect on protein structure/function; Has not been previously published as pathogenic or benign to our knowledge

Labcorp Genetics (formerly Invitae), Labcorp
Classification: Uncertain significance. Last evaluated: 2022-10-19. Review status: criteria provided, single submitter. Criteria: Invitae Variant Classification Sherloc (09022015). Collection method: clinical testing. Allele origin: germline.
Comment: This sequence change replaces proline, which is neutral and non-polar, with leucine, which is neutral and non-polar, at codon 277 of the COL18A1 protein (p.Pro277Leu). This variant is present in population databases (rs758191525, gnomAD 0.006%). This variant has not been reported in the literature in individuals affected with COL18A1-related conditions. Experimental studies and prediction algorithms are not available or were not evaluated, and the functional significance of this variant is currently unknown. In summary, the available evidence is currently insufficient to determine the role of this variant in disease. Therefore, it has been classified as a Variant of Uncertain Significance.

NM_001379500.1(COL18A1):c.830C>T (p.Pro277Leu)

Gene: COL18A1 (collagen type XVIII alpha 1 chain; plus strand). Cytogenetic location: 21q22.3.
Variant type: single nucleotide variant.
Coding change: c.830C>T on transcript NM_001379500.1 (MANE Select); coding-DNA position 830, C replaced by T.
Protein change: p.Pro277Leu; replaces proline 277 with leucine.
Molecular consequence: missense variant.
Genome position (GRCh38, 1-based): chr21:45,476,382, C>T. VCF-style: chr21-45476382-C-T. GRCh37 (hg19) VCF-style: chr21-46896296-C-T.
Other names: NM_130445.2:c.830C>T; c.1370C>T, p.Pro457Leu (NM_030582.4); c.2075C>T, p.Pro692Leu (NM_130444.3); short protein forms P277L, P457L, P692L.
Identifiers: ClinVar variation 1721912 (VCV001721912.6), dbSNP rs758191525, ClinGen allele CA10065951.